The following is an entry in ClinVar:

NM_015160.3(PMPCA):c.904A>C (p.Arg302=)

Gene: PMPCA (peptidase, mitochondrial processing subunit alpha; plus strand). Cytogenetic location: 9q34.3.
Variant type: single nucleotide variant.
Coding change: c.904A>C on transcript NM_015160.3 (MANE Select); coding-DNA position 904, A replaced by C.
Protein change: p.Arg302=; no amino-acid change (arginine 302 retained).
Molecular consequence: synonymous variant.
Genome position (GRCh38, 1-based): chr9:136,418,023, A>C. VCF-style: chr9-136418023-A-C. GRCh37 (hg19) VCF-style: chr9-139312475-A-C.
Other names: c.511A>C, p.Arg171= (NM_001282944.2); c.604A>C, p.Arg202= (NM_001282946.2).
Identifiers: ClinVar variation 2583075 (VCV002583075.25), dbSNP rs567719340, ClinGen allele CA467718362.

ClinVar aggregate classification (germline): Likely benign (1 of 4 stars; one submission).

gnomAD v4.1: 3 of 1,612,204 alleles (0.00019%); highest among the groups gnomAD compares: Non-Finnish European, 0.00025%; no homozygotes.

Submission:

CeGaT Center for Human Genetics Tuebingen
Classification: Likely benign. Last evaluated: 2023-08-01. Review status: criteria provided, single submitter. Criteria: CeGaT Center For Human Genetics Tuebingen Variant Classification Criteria Version 2. Collection method: clinical testing. Allele origin: germline. Affected: yes. Observed: 1 variant allele.
Comment: PMPCA: PM2:Supporting, BP4, BP7